The following is an entry in ClinVar:

NM_000639.3(FASLG):c.740C>A (p.Ala247Glu)

Gene: FASLG (Fas ligand; plus strand). Cytogenetic location: 1q24.3.
Variant type: single nucleotide variant.
Coding change: c.740C>A on transcript NM_000639.3 (MANE Select); coding-DNA position 740, C replaced by A.
Protein change: p.Ala247Glu; replaces alanine 247 with glutamic acid.
Molecular consequence: missense variant. On other transcripts: 3 prime UTR variant (1).
Genome position (GRCh38, 1-based): chr1:172,665,910, C>A. VCF-style: chr1-172665910-C-A. GRCh37 (hg19) VCF-style: chr1-172635050-C-A.
Other names: c.*310C>A (NM_001302746.2); short protein forms A247E.
Identifiers: ClinVar variation 1327543 (VCV001327543.7), dbSNP rs80358237, ClinGen allele CA1247609.
Genomic context (GRCh38, chr1:172,665,910, plus strand): 5'-GGAAGATGATGAGCTACTGCACTACTGGGCAGATGTGGGCCCGCAGCAGCTACCTGGGGG[C>A]AGTGTTCAATCTTACCAGTGCTGATCATTTATATGTCAACGTATCTGAGCTCTCTCTGGT-3'
Protein context (NP_000630.1, residues 237-257): QMWARSSYLG[Ala247Glu]VFNLTSADHL

ClinVar aggregate classification (germline): Uncertain significance. Review status: criteria provided, single submitter (1 of 4 stars). 2 submissions from 2 submitters: Uncertain significance (1). 1 of the submissions does not count toward it. Last evaluated 2022-12-05.

Conditions:
Autoimmune lymphoproliferative syndrome type 1. Also called: AUTOIMMUNE LYMPHOPROLIFERATIVE SYNDROME, TYPE I, AUTOSOMAL DOMINANT. Identifiers: Orphanet 3261, MedGen C2717884, MONDO:0011158, OMIM 601859.

Allele frequency attached by ClinVar (database versions not stated): ExAC 0.00001; gnomAD exomes below 0.00001; gnomAD 0.00001; TOPMed 0.00001.
gnomAD v4.1: 2 of 1,611,570 alleles (0.00012%); highest among the groups gnomAD compares: Non-Finnish European, 0.000085%; no homozygotes.

Submissions (2):

Labcorp Genetics (formerly Invitae), Labcorp
Classification: Uncertain significance for Autoimmune lymphoproliferative syndrome. Last evaluated: 2022-12-05. Review status: criteria provided, single submitter. Criteria: Invitae Variant Classification Sherloc (09022015). Collection method: clinical testing. Allele origin: germline.
Comment: In summary, the available evidence is currently insufficient to determine the role of this variant in disease. Therefore, it has been classified as a Variant of Uncertain Significance. Experimental studies have shown that this missense change affects FASLG function (PMID: 21368861). Advanced modeling of protein sequence and biophysical properties (such as structural, functional, and spatial information, amino acid conservation, physicochemical variation, residue mobility, and thermodynamic stability) has been performed at Invitae for this missense variant, however the output from this modeling did not meet the statistical confidence thresholds required to predict the impact of this variant on FASLG protein function. ClinVar contains an entry for this variant (Variation ID: 1327543). This missense change has been observed in individual(s) with autoimmune lymphoproliferative syndrome (ALPS) (PMID: 16627752). This variant is present in population databases (rs80358237, gnomAD 0.0009%). This sequence change replaces alanine, which is neutral and non-polar, with glutamic acid, which is acidic and polar, at codon 247 of the FASLG protein (p.Ala247Glu).

GeneReviews
No classification provided. Condition: Autoimmune lymphoproliferative syndrome. Review status: no classification provided. Collection method: literature only. Allele origin: germline. Not counted in ClinVar's aggregate classification.

Literature cited by the submitters: PubMed 21368861 (cited by Labcorp Genetics (formerly Invitae), Labcorp); PubMed 16627752 (cited by Labcorp Genetics (formerly Invitae), Labcorp and GeneReviews).